The following is an entry in ClinVar:

ClinVar aggregate classification (germline): Uncertain significance. Review status: criteria provided, single submitter (1 of 4 stars). 2 submissions from 2 submitters: Uncertain significance (1). 1 of the submissions does not count toward it. Last evaluated 2021-08-27.

Conditions:
3-methylcrotonyl-CoA carboxylase 2 deficiency. Also called: METHYLCROTONYLGLYCINURIA, TYPE II; 3 alpha methylcrotonyl-CoA carboxylase 2 deficiency; 3 alpha methylcrotonylglycinuria 2; MCC 2 deficiency; Methylcrotonylglycinuria type 2. Identifiers: Orphanet 6, MedGen C1859499, MONDO:0008862, OMIM 210210.

Allele frequency attached by ClinVar (database versions not stated): gnomAD exomes 0.00001; ExAC 0.00002.
gnomAD v4.1: 1 of 1,614,138 alleles (0.000062%); highest among the groups gnomAD compares: South Asian, 0.0011%; no homozygotes.

Submissions (2):

Labcorp Genetics (formerly Invitae), Labcorp
Classification: Uncertain significance for 3-methylcrotonyl-CoA carboxylase 2 deficiency. Last evaluated: 2021-08-27. Review status: criteria provided, single submitter. Criteria: Invitae Variant Classification Sherloc (09022015). Collection method: clinical testing. Allele origin: germline.
Comment: This sequence change replaces tyrosine with cysteine at codon 222 of the MCCC2 protein (p.Tyr222Cys). The tyrosine residue is highly conserved and there is a large physicochemical difference between tyrosine and cysteine. This variant is present in population databases (rs753735697, ExAC 0.009%). This variant has not been reported in the literature in individuals affected with MCCC2-related conditions. Algorithms developed to predict the effect of missense changes on protein structure and function (SIFT, PolyPhen-2, Align-GVGD) all suggest that this variant is likely to be disruptive. In summary, the available evidence is currently insufficient to determine the role of this variant in disease. Therefore, it has been classified as a Variant of Uncertain Significance.

Natera, Inc.
Classification: Uncertain significance for 3-methylcrotonyl-CoA carboxylase 2 deficiency. Last evaluated: 2020-10-16. Review status: no assertion criteria provided. Collection method: clinical testing. Allele origin: germline. Not counted in ClinVar's aggregate classification.

NM_022132.5(MCCC2):c.665A>G (p.Tyr222Cys)

Gene: MCCC2 (methylcrotonyl-CoA carboxylase subunit 2; plus strand). Cytogenetic location: 5q13.2.
Variant type: single nucleotide variant.
Coding change: c.665A>G on transcript NM_022132.5 (MANE Select); coding-DNA position 665, A replaced by G.
Protein change: p.Tyr222Cys; replaces tyrosine 222 with cysteine.
Molecular consequence: missense variant. On other transcripts: intron variant (1).
Genome position (GRCh38, 1-based): chr5:71,626,680, A>G. VCF-style: chr5-71626680-A-G. GRCh37 (hg19) VCF-style: chr5-70922507-A-G.
Other names: c.625-5441A>G (NM_001363147.1); short protein forms Y222C.
Identifiers: ClinVar variation 535830 (VCV000535830.7), dbSNP rs753735697, ClinGen allele CA3297839.